The following is an entry in ClinVar:

ClinVar aggregate classification (germline): Uncertain significance (1 of 4 stars; one submission).

Allele frequency attached by ClinVar (database versions not stated): TOPMed below 0.00001.

Submission:

GeneDx
Classification: Uncertain significance. Last evaluated: 2022-08-11. Review status: criteria provided, single submitter. Criteria: GeneDx Variant Classification Process June 2021. Collection method: clinical testing. Allele origin: germline. Affected: yes.
Comment: Not observed at significant frequency in large population cohorts (gnomAD); In silico analysis supports that this missense variant has a deleterious effect on protein structure/function; Has not been previously published as pathogenic or benign to our knowledge

NM_000085.5(CLCNKB):c.611C>T (p.Ala204Val)

Genes: CLCNKB (chloride voltage-gated channel Kb; plus strand), LOC106501713 (CLCNKB recombination region; plus strand). Cytogenetic location: 1p36.13.
Variant type: single nucleotide variant.
Coding change: c.611C>T on transcript NM_000085.5 (MANE Select); coding-DNA position 611, C replaced by T.
Protein change: p.Ala204Val; replaces alanine 204 with valine.
Molecular consequence: missense variant.
Genome position (GRCh38, 1-based): chr1:16,048,538, C>T. VCF-style: chr1-16048538-C-T. GRCh37 (hg19) VCF-style: chr1-16375033-C-T.
Other names: short protein forms A204V.
Identifiers: ClinVar variation 2429674 (VCV002429674.1), dbSNP rs2023174615, ClinGen allele CA338635291.
Genomic context (GRCh38, chr1:16,048,538, plus strand): 5'-CTGAGCCCTGGACTCGGATCCCCCAGAACAAGAGCAAGCAAAACGAAATGCTGGTGGCAG[C>T]GGCGGCAGTGGGCGTGGCCACAGTCTTTGCAGCTCCCTTCAGCGGTGAGACCCCTTCATG-3'
Protein context (NP_000076.2, residues 194-214): KSKQNEMLVA[Ala204Val]AAVGVATVFA